The following is an entry in ClinVar:

ClinVar aggregate classification (germline): Benign/Likely benign. Review status: criteria provided, multiple submitters, no conflicts (2 of 4 stars). 3 submissions from 3 submitters: Benign (1); Likely benign (2). Last evaluated 2025-12-14.

Submissions (3):

Labcorp Genetics (formerly Invitae), Labcorp
Classification: Benign. Last evaluated: 2025-12-14. Review status: criteria provided, single submitter. Criteria: Invitae Variant Classification Sherloc (09022015). Collection method: clinical testing. Allele origin: germline.

Mayo Clinic Laboratories, Mayo Clinic
Classification: Likely benign. Last evaluated: 2025-02-07. Review status: criteria provided, single submitter. Criteria: ACMG Guidelines, 2015. Collection method: clinical testing. Allele origin: germline. Observed: 1 variant allele.
Comment: BP4, BP7

Blueprint Genetics
Classification: Likely benign. Last evaluated: 2024-11-27. Review status: criteria provided, single submitter. Criteria: ACMG Guidelines, 2015. Collection method: clinical testing. Allele origin: germline.

NM_020821.3(VPS13C):c.8845-10dup

Gene: VPS13C (vacuolar protein sorting 13 homolog C; minus strand). Cytogenetic location: 15q22.2.
Variant type: Duplication.
Coding change: c.8845-10dup on transcript NM_020821.3 (MANE Select); 10 bases into the intron before coding-DNA position 8845, one base duplicated (T; older notation c.8845-10dupT).
Molecular consequence: intron variant.
Genome position (GRCh38, 1-based): chr15:61,909,135, A duplicated on the plus strand (T on the coding strand, the reverse complement: VPS13C is on the minus strand); the first of 11 consecutive A bases (chr15:61,909,135-61,909,145); duplicating any one gives the same sequence. VCF-style (leftmost placement, unchanged base first): chr15-61909134-G-GA. GRCh37 (hg19) VCF-style: chr15-62201333-G-GA.
Other names: p.?; c.8716-10dup (NM_017684.5, NM_018080.4); c.8845-10dup (NM_001018088.3).
Identifiers: ClinVar variation 1567153 (VCV001567153.10), dbSNP rs35201581, ClinGen allele CA7594859.